The following is an entry in ClinVar:

NM_007078.3(LDB3):c.254G>A (p.Arg85His)

Gene: LDB3 (LIM domain binding 3; plus strand). Cytogenetic location: 10q23.2.
Variant type: single nucleotide variant.
Coding change: c.254G>A on transcript NM_007078.3 (MANE Select); coding-DNA position 254, G replaced by A.
Protein change: p.Arg85His; replaces arginine 85 with histidine.
Molecular consequence: missense variant.
Genome position (GRCh38, 1-based): chr10:86,680,090, G>A. VCF-style: chr10-86680090-G-A. GRCh37 (hg19) VCF-style: chr10-88439847-G-A.
Other names: c.254G>A, p.Arg85His (NM_001080114.2, NM_001080115.2, NM_001171610.2 and 8 more transcripts); c.254G>A (NM_007078.2); short protein forms R85H.
Identifiers: ClinVar variation 191694 (VCV000191694.16), dbSNP rs200420174, ClinGen allele CA237287.

ClinVar aggregate classification (germline): Uncertain significance. Review status: criteria provided, multiple submitters, no conflicts (2 of 4 stars). 5 submissions from 5 submitters: Uncertain significance (5). Last evaluated 2025-12-17.

Conditions:
Myofibrillar myopathy 4. Also called: Zaspopathy (type). Identifiers: Orphanet 98912, MedGen C4721886, MONDO:0012277, OMIM 609452.
Cardiovascular phenotype. Identifiers: MedGen CN230736.

Allele frequency attached by ClinVar (database versions not stated): 1000 Genomes Project 30x 0.00016; ExAC 0.00002; gnomAD exomes 0.00001; 1000 Genomes Project 0.00020.
gnomAD v4.1: 39 of 1,614,104 alleles (0.0024%); highest among the groups gnomAD compares: Non-Finnish European, 0.0025%; no homozygotes.

Submissions (5):

Ambry Genetics
Classification: Uncertain significance for Cardiovascular phenotype. Last evaluated: 2025-12-17. Review status: criteria provided, single submitter. Criteria: Ambry Variant Classification Scheme 2023. Collection method: clinical testing. Allele origin: germline.
Comment: The p.R85H variant (also known as c.254G>A), located in coding exon 3 of the LDB3 gene, results from a G to A substitution at nucleotide position 254. The arginine at codon 85 is replaced by histidine, an amino acid with highly similar properties. This alteration has been reported as a secondary cardiac variant in an exome cohort; however, clinical details are limited (Ng D et al. Circ Cardiovasc Genet, 2013 Aug;6:337-46). This amino acid position is highly conserved in available vertebrate species. In addition, the in silico prediction for this alteration is inconclusive. Since supporting evidence is limited at this time, the clinical significance of this alteration remains unclear.

GeneDx
Classification: Uncertain significance. Last evaluated: 2024-09-05. Review status: criteria provided, single submitter. Criteria: GeneDx Variant Classification Process June 2021. Collection method: clinical testing. Allele origin: germline. Affected: yes.
Comment: Has not been previously published as pathogenic or benign in association with a LDB3-related disorder to our knowledge; Not observed at significant frequency in large population cohorts (gnomAD); In silico analysis supports that this missense variant has a deleterious effect on protein structure/function; This variant is associated with the following publications: (PMID: 23861362)

Labcorp Genetics (formerly Invitae), Labcorp
Classification: Uncertain significance for Myofibrillar myopathy 4. Last evaluated: 2023-10-16. Review status: criteria provided, single submitter. Criteria: Invitae Variant Classification Sherloc (09022015). Collection method: clinical testing. Allele origin: germline.
Comment: This sequence change replaces arginine, which is basic and polar, with histidine, which is basic and polar, at codon 85 of the LDB3 protein (p.Arg85His). This variant is present in population databases (rs200420174, gnomAD 0.003%). This variant has not been reported in the literature in individuals affected with LDB3-related conditions. ClinVar contains an entry for this variant (Variation ID: 191694). An algorithm developed to predict the effect of missense changes on protein structure and function (PolyPhen-2) suggests that this variant is likely to be disruptive. In summary, the available evidence is currently insufficient to determine the role of this variant in disease. Therefore, it has been classified as a Variant of Uncertain Significance.

Revvity Omics, Revvity
Classification: Uncertain significance. Last evaluated: 2021-06-29. Review status: criteria provided, single submitter. Criteria: ACMG Guidelines, 2015. Collection method: clinical testing. Allele origin: germline.

Biesecker Lab/Clinical Genomics Section, National Institutes of Health
Classification: Uncertain significance. Last evaluated: 2013-06-24. Review status: criteria provided, single submitter. Criteria: Ng et al. (Circ Cardiovasc Genet. 2013). Collection method: research. Allele origin: unknown. Observed: 1 variant allele. Study: ClinSeq.
Comment: The study set was not selected for affection status in relation to any cancer. Pathogenicity categories were based on literature curation. See Pubmed ID:23861362 for details.

Medical sequencing

Literature cited by the submitters: PubMed 23861362 (cited by Ambry Genetics).